The following is an entry in ClinVar:

NM_000257.4(MYH7):c.2629A>G (p.Met877Val)

Genes: MYH7 (myosin heavy chain 7; minus strand), LOC126861898 (BRD4-independent group 4 enhancer GRCh37_chr14:23893609-23894808; plus strand). Cytogenetic location: 14q11.2.
Variant type: single nucleotide variant.
Coding change: c.2629A>G on transcript NM_000257.4 (MANE Select); coding-DNA position 2629, A replaced by G.
Protein change: p.Met877Val; replaces methionine 877 with valine.
Molecular consequence: missense variant.
Genome position (GRCh38, 1-based): chr14:23,424,819, T>C on the plus strand (A>G on the coding strand, the complement: MYH7 is on the minus strand). VCF-style: chr14-23424819-T-C. GRCh37 (hg19) VCF-style: chr14-23894028-T-C.
Other names: c.2629A>G, p.Met877Val (NM_001407004.1); short protein forms M877V.
Identifiers: ClinVar variation 4801938 (VCV004801938.1).
Genomic context (GRCh38, chr14:23,424,819, plus strand): 5'-GGAGCCTCACCGCCTGCACTTGGAGCTGCAGGTCATTCTTCTCCTGCAGCAGGGACACCA[T>C]CTTCTCCTCCAGCTCCTTGCGGCGAGCCTCGGACTTCTCTAGCGCCTCTTTGAGGCGTGT-3'
Protein context (NP_000248.2, residues 867-887): EARRKELEEK[Met877Val]VSLLQEKNDL

ClinVar aggregate classification (germline): Likely pathogenic (1 of 4 stars; one submission).

Conditions:
Hypertrophic cardiomyopathy. Also called: HYPERTROPHIC MYOCARDIOPATHY. Identifiers: Orphanet 217569, MedGen C0007194, MeSH D002312, MONDO:0005045, HP:0001639.

Submission:

Labcorp Genetics (formerly Invitae), Labcorp
Classification: Likely pathogenic for Hypertrophic cardiomyopathy. Last evaluated: 2025-10-29. Review status: criteria provided, single submitter. Criteria: Invitae Variant Classification Sherloc (09022015). Collection method: clinical testing. Allele origin: germline.
Comment: This sequence change replaces methionine, which is neutral and non-polar, with valine, which is neutral and non-polar, at codon 877 of the MYH7 protein (p.Met877Val). This variant is not present in population databases (gnomAD no frequency). This variant has not been reported in the literature in individuals affected with MYH7-related conditions. Invitae Evidence Modeling of protein sequence and biophysical properties (such as structural, functional, and spatial information, amino acid conservation, physicochemical variation, residue mobility, and thermodynamic stability) indicates that this missense variant is expected to disrupt MYH7 protein function with a positive predictive value of 95%. This variant disrupts the p.Met877 amino acid residue in MYH7. Other variant(s) that disrupt this residue have been determined to be pathogenic (PMID: 27737317, 28699631). This suggests that this residue is clinically significant, and that variants that disrupt this residue are likely to be disease-causing. In summary, the currently available evidence indicates that the variant is pathogenic, but additional data are needed to prove that conclusively. Therefore, this variant has been classified as Likely Pathogenic.

Literature cited by the submitters: PubMed 27737317; PubMed 28699631.